The following is an entry in ClinVar:

NM_181458.4(PAX3):c.118C>A (p.Gln40Lys)

Gene: PAX3 (paired box 3; minus strand). Cytogenetic location: 2q36.1.
Variant type: single nucleotide variant.
Coding change: c.118C>A on transcript NM_181458.4 (MANE Select); coding-DNA position 118, C replaced by A.
Protein change: p.Gln40Lys; replaces glutamine 40 with lysine.
Molecular consequence: missense variant.
Genome position (GRCh38, 1-based): chr2:222,297,181, G>T on the plus strand (C>A on the coding strand, the complement: PAX3 is on the minus strand). VCF-style: chr2-222297181-G-T. GRCh37 (hg19) VCF-style: chr2-223161900-G-T.
Other names: c.118C>A, p.Gln40Lys (NM_000438.6, NM_001127366.3, NM_013942.5 and 4 more transcripts); short protein forms Q40K.
Identifiers: ClinVar variation 2811818 (VCV002811818.3), dbSNP rs1461573611, ClinGen allele CA351113787.

ClinVar aggregate classification (germline): Uncertain significance (1 of 4 stars; one submission).

Submission:

Labcorp Genetics (formerly Invitae), Labcorp
Classification: Uncertain significance. Last evaluated: 2022-11-10. Review status: criteria provided, single submitter. Criteria: Invitae Variant Classification Sherloc (09022015). Collection method: clinical testing. Allele origin: germline.
Comment: This sequence change replaces glutamine, which is neutral and polar, with lysine, which is basic and polar, at codon 40 of the PAX3 protein (p.Gln40Lys). This variant is not present in population databases (gnomAD no frequency). This variant has not been reported in the literature in individuals affected with PAX3-related conditions. Advanced modeling of protein sequence and biophysical properties (such as structural, functional, and spatial information, amino acid conservation, physicochemical variation, residue mobility, and thermodynamic stability) performed at Invitae indicates that this missense variant is expected to disrupt PAX3 protein function. In summary, the available evidence is currently insufficient to determine the role of this variant in disease. Therefore, it has been classified as a Variant of Uncertain Significance.